The following is an entry in ClinVar:

NM_003239.5(TGFB3):c.1130G>A (p.Cys377Tyr)

Gene: TGFB3 (transforming growth factor beta 3; minus strand). Cytogenetic location: 14q24.3.
Variant type: single nucleotide variant.
Coding change: c.1130G>A on transcript NM_003239.5 (MANE Select); coding-DNA position 1130, G replaced by A.
Protein change: p.Cys377Tyr; replaces cysteine 377 with tyrosine.
Molecular consequence: missense variant.
Genome position (GRCh38, 1-based): chr14:75,959,296, C>T on the plus strand (G>A on the coding strand, the complement: TGFB3 is on the minus strand). VCF-style: chr14-75959296-C-T. GRCh37 (hg19) VCF-style: chr14-76425639-C-T.
Other names: c.1130G>A, p.Cys377Tyr (NM_001329939.2); short protein forms C377Y.
Identifiers: ClinVar variation 410275 (VCV000410275.9), dbSNP rs1060502828, ClinGen allele CA16614578.

ClinVar aggregate classification (germline): Uncertain significance (1 of 4 stars; one submission).

Conditions:
Rienhoff syndrome. Also called: LOEYS-DIETZ SYNDROME 5. Identifiers: MedGen C3810012, MONDO:0014262, OMIM 615582.

Submission:

Labcorp Genetics (formerly Invitae), Labcorp
Classification: Uncertain significance for Rienhoff syndrome. Last evaluated: 2022-09-07. Review status: criteria provided, single submitter. Criteria: Invitae Variant Classification Sherloc (09022015). Collection method: clinical testing. Allele origin: germline.
Comment: In summary, the available evidence is currently insufficient to determine the role of this variant in disease. Therefore, it has been classified as a Variant of Uncertain Significance. Algorithms developed to predict the effect of missense changes on protein structure and function are either unavailable or do not agree on the potential impact of this missense change (SIFT: "Deleterious"; PolyPhen-2: "Probably Damaging"; Align-GVGD: "Class C0"). ClinVar contains an entry for this variant (Variation ID: 410275). This missense change has been observed in individual(s) with clinical features of TGFB3-related conditions (Invitae). This variant is not present in population databases (gnomAD no frequency). This sequence change replaces cysteine, which is neutral and slightly polar, with tyrosine, which is neutral and polar, at codon 377 of the TGFB3 protein (p.Cys377Tyr).